The following is an entry in ClinVar:

ClinVar aggregate classification (germline): Uncertain significance. Review status: criteria provided, multiple submitters, no conflicts (2 of 4 stars). 3 submissions from 3 submitters: Uncertain significance (3). Last evaluated 2026-06-26.

Conditions:
Inborn genetic diseases. Identifiers: MedGen C0950123, MeSH D030342.
DST-related disorder. Also called: DST-related condition; DST-related disorders.
Hereditary sensory and autonomic neuropathy type 6. Also called: Neuropathy, hereditary sensory and autonomic, type VI; HSAN VI. Identifiers: Orphanet 314381, MedGen C3539003, MONDO:0013839, OMIM 614653.
Epidermolysis bullosa simplex 3, localized or generalized intermediate, with BP230 deficiency (EBS3). Also called: Epidermolysis bullosa simplex, autosomal recessive 2; Epidermolysis bullosa simplex due to BP230 deficiency. Identifiers: Orphanet 412181, MedGen C3809470, MONDO:0014180, OMIM 615425.

Allele frequency attached by ClinVar (database versions not stated): TOPMed 0.00002.
gnomAD v4.1: 32 of 1,613,172 alleles (0.002%); highest among the groups gnomAD compares: Non-Finnish European, 0.0023%; no homozygotes.

Submissions (3):

PreventionGenetics, part of Exact Sciences
Classification: Uncertain significance for DST-related condition. Last evaluated: 2026-06-26. Review status: criteria provided, single submitter. Criteria: ACMG Guidelines, 2015. Collection method: clinical testing. Allele origin: germline.
Comment: The DST c.3787C>G variant is predicted to result in the amino acid substitution p.Arg1263Gly. To our knowledge, this variant has not been reported in the literature. This variant is reported in 0.019% of alleles in individuals of Ashkenazi Jewish descent in gnomAD. At this time, the clinical significance of this variant is uncertain due to the absence of conclusive functional and genetic evidence.

Labcorp Genetics (formerly Invitae), Labcorp
Classification: Uncertain significance for Epidermolysis bullosa simplex 3, localized or generalized intermediate, with BP230 deficiency; Hereditary sensory and autonomic neuropathy type 6. Last evaluated: 2023-10-11. Review status: criteria provided, single submitter. Criteria: Invitae Variant Classification Sherloc (09022015). Collection method: clinical testing. Allele origin: germline.
Comment: This sequence change replaces arginine, which is basic and polar, with glycine, which is neutral and non-polar, at codon 759 of the DST protein (p.Arg759Gly). This variant is present in population databases (rs200853096, gnomAD 0.01%). This variant has not been reported in the literature in individuals affected with DST-related conditions. ClinVar contains an entry for this variant (Variation ID: 1024289). An algorithm developed to predict the effect of missense changes on protein structure and function (PolyPhen-2) suggests that this variant is likely to be disruptive. In summary, the available evidence is currently insufficient to determine the role of this variant in disease. Therefore, it has been classified as a Variant of Uncertain Significance.

Ambry Genetics
Classification: Uncertain significance for Inborn genetic diseases. Last evaluated: 2023-04-26. Review status: criteria provided, single submitter. Criteria: Ambry Variant Classification Scheme 2023. Collection method: clinical testing. Allele origin: germline.

NM_001374736.1(DST):c.3886C>G (p.Arg1296Gly)

Gene: DST (dystonin; minus strand). Cytogenetic location: 6p12.1.
Variant type: single nucleotide variant.
Coding change: c.3886C>G on transcript NM_001374736.1 (MANE Select); coding-DNA position 3886, C replaced by G.
Protein change: p.Arg1296Gly; replaces arginine 1296 with glycine.
Molecular consequence: missense variant.
Genome position (GRCh38, 1-based): chr6:56,631,960, G>C on the plus strand (C>G on the coding strand, the complement: DST is on the minus strand). VCF-style: chr6-56631960-G-C. GRCh37 (hg19) VCF-style: chr6-56496758-G-C.
Other names: c.3787C>G, p.Arg1263Gly (NM_001144769.5); c.3373C>G, p.Arg1125Gly (NM_001144770.2); c.3886C>G, p.Arg1296Gly (NM_001374722.1); c.3253C>G, p.Arg1085Gly (NM_001374729.1, NM_001374730.1, NM_001386100.1 and 1 more transcripts); c.3913C>G, p.Arg1305Gly (NM_001374734.1); c.2275C>G, p.Arg759Gly (NM_001723.7, NM_015548.5); c.3787C>G (NM_001144769.2); short protein forms R1085G, R1125G, R1263G, R1296G, R1305G, R759G.
Identifiers: ClinVar variation 1024289 (VCV001024289.9), dbSNP rs200853096, ClinGen allele CA3871035.